The following is an entry in ClinVar:

ClinVar aggregate classification (germline): Pathogenic (1 of 4 stars; one submission).

Conditions:
Primary ciliary dyskinesia. Also called: Ciliary dyskinesia. Identifiers: Orphanet 244, MedGen C0008780, MONDO:0016575, HP:0012265.

Submission:

Labcorp Genetics (formerly Invitae), Labcorp
Classification: Pathogenic for Primary ciliary dyskinesia. Last evaluated: 2024-03-13. Review status: criteria provided, single submitter. Criteria: Invitae Variant Classification Sherloc (09022015). Collection method: clinical testing. Allele origin: germline.
Comment: This sequence change affects a donor splice site in intron 61 of the DNAH11 gene. It is expected to disrupt RNA splicing. Variants that disrupt the donor or acceptor splice site typically lead to a loss of protein function (PMID: 16199547), and loss-of-function variants in DNAH11 are known to be pathogenic (PMID: 18022865, 20513915, 22184204). This variant is not present in population databases (gnomAD no frequency). Disruption of this splice site has been observed in individual(s) with DNAH11-related conditions (Invitae). In at least one individual the data is consistent with being in trans (on the opposite chromosome) from a pathogenic variant. Algorithms developed to predict the effect of sequence changes on RNA splicing suggest that this variant may disrupt the consensus splice site. For these reasons, this variant has been classified as Pathogenic.

Literature cited by the submitters: PubMed 16199547; PubMed 18022865; PubMed 20513915; PubMed 22184204.

NM_001277115.2(DNAH11):c.10026+1G>C

Gene: DNAH11 (dynein axonemal heavy chain 11; plus strand). Cytogenetic location: 7p15.3.
Variant type: single nucleotide variant.
Coding change: c.10026+1G>C on transcript NM_001277115.2 (MANE Select); the canonical splice donor site of the intron after coding-DNA position 10026, G replaced by C.
Molecular consequence: splice donor variant.
Genome position (GRCh38, 1-based): chr7:21,789,343, G>C. VCF-style: chr7-21789343-G-C. GRCh37 (hg19) VCF-style: chr7-21828961-G-C.
Identifiers: ClinVar variation 3706246 (VCV003706246.2).
Genomic context (GRCh38, chr7:21,789,343, plus strand): 5'-GCAAACTTAGAACTGGCTGCAGCTACTGAAAAACTAGAGGCTATCAGGAAAAAGCTTGTG[G>C]TGAGTGCAAACTATGACATTGAAAAGGTTCCCAAGAGGTGGTCGCTGCCTCCACCTTAGG-3'